The following is an entry in ClinVar:

NM_000718.4(CACNA1B):c.3790C>T (p.Arg1264Trp)

Gene: CACNA1B (calcium voltage-gated channel subunit alpha1 B; plus strand). Cytogenetic location: 9q34.3.
Variant type: single nucleotide variant.
Coding change: c.3790C>T on transcript NM_000718.4 (MANE Select); coding-DNA position 3790, C replaced by T.
Protein change: p.Arg1264Trp; replaces arginine 1264 with tryptophan.
Molecular consequence: missense variant.
Genome position (GRCh38, 1-based): chr9:138,052,171, C>T. VCF-style: chr9-138052171-C-T. GRCh37 (hg19) VCF-style: chr9-140946623-C-T.
Other names: c.3790C>T, p.Arg1264Trp (NM_001243812.2); c.3790C>T (NM_000718.3); short protein forms R1264W.
Identifiers: ClinVar variation 1984776 (VCV001984776.2), dbSNP rs1438520326, ClinGen allele CA375812664.
Genomic context (GRCh38, chr9:138,052,171, plus strand): 5'-ATCAATACCATCAAGTCTCTGAGAGTCCTTCGTGTCCTGCGGCCCCTCAAGACCATCAAA[C>T]GGCTGCCCAAGCTCAAGGTTAGAGCCTGGAGTTGGGGCTTGAGGGATGTGCTGTGTGTGT-3'
Protein context (NP_000709.1, residues 1254-1274): RVLRPLKTIK[Arg1264Trp]LPKLKAVFDC

ClinVar aggregate classification (germline): Uncertain significance. Review status: criteria provided, multiple submitters, no conflicts (2 of 4 stars). 2 submissions from 2 submitters: Uncertain significance (2). Last evaluated 2025-04-01.

Allele frequency attached by ClinVar (database versions not stated): gnomAD exomes below 0.00001; gnomAD 0.00001.
gnomAD v4.1: 8 of 1,607,946 alleles (0.0005%); highest among the groups gnomAD compares: African/African-American, 0.0027%; no homozygotes.

Submissions (2):

Ambry Genetics
Classification: Uncertain significance. Last evaluated: 2025-04-01. Review status: criteria provided, single submitter. Criteria: Ambry Variant Classification Scheme 2023. Collection method: clinical testing. Allele origin: germline.

Labcorp Genetics (formerly Invitae), Labcorp
Classification: Uncertain significance. Last evaluated: 2022-05-06. Review status: criteria provided, single submitter. Criteria: Invitae Variant Classification Sherloc (09022015). Collection method: clinical testing. Allele origin: germline.
Comment: This sequence change replaces arginine, which is basic and polar, with tryptophan, which is neutral and slightly polar, at codon 1264 of the CACNA1B protein (p.Arg1264Trp). The frequency data for this variant in the population databases is considered unreliable, as metrics indicate poor data quality at this position in the gnomAD database. This variant has not been reported in the literature in individuals affected with CACNA1B-related conditions. Advanced modeling of protein sequence and biophysical properties (such as structural, functional, and spatial information, amino acid conservation, physicochemical variation, residue mobility, and thermodynamic stability) performed at Invitae indicates that this missense variant is expected to disrupt CACNA1B protein function. In summary, the available evidence is currently insufficient to determine the role of this variant in disease. Therefore, it has been classified as a Variant of Uncertain Significance.